The following is an entry in ClinVar:

NM_004415.4(DSP):c.4808G>A (p.Arg1603Lys)

Gene: DSP (desmoplakin; plus strand). Cytogenetic location: 6p24.3.
Variant type: single nucleotide variant.
Coding change: c.4808G>A on transcript NM_004415.4 (MANE Select); coding-DNA position 4808, G replaced by A.
Protein change: p.Arg1603Lys; replaces arginine 1603 with lysine.
Molecular consequence: missense variant. On other transcripts: intron variant (2).
Genome position (GRCh38, 1-based): chr6:7,580,998, G>A. VCF-style: chr6-7580998-G-A. GRCh37 (hg19) VCF-style: chr6-7581231-G-A.
Other names: c.4808G>A (LRG_423t1); c.4050+758G>A (NM_001319034.2); c.3582+1226G>A (NM_001008844.3); short protein forms R1603K.
Identifiers: ClinVar variation 222579 (VCV000222579.13), dbSNP rs869025393, ClinGen allele CA351759.

ClinVar aggregate classification (germline): Conflicting classifications of pathogenicity. Review status: criteria provided, conflicting classifications (1 of 4 stars). 4 submissions from 4 submitters: Uncertain significance (2); Likely benign (2). Last evaluated 2025-09-16.

Conditions:
Cardiovascular phenotype. Identifiers: MedGen CN230736.
Arrhythmogenic cardiomyopathy with wooly hair and keratoderma. Also called: Dilated cardiomyopathy with woolly hair and keratoderma; PALMOPLANTAR KERATODERMA WITH LEFT VENTRICULAR CARDIOMYOPATHY AND WOOLLY HAIR; Carvajal syndrome; Arrhythmogenic cardiomyopathy with woolly hair and keratoderma. Identifiers: Orphanet 65282, MedGen C1854063, MONDO:0011581, OMIM 605676.
Arrhythmogenic right ventricular dysplasia 8 (ARVD8). Also called: Arrhythmogenic Right Ventricular Dysplasia/Cardiomyopathy 8; ARRHYTHMOGENIC RIGHT VENTRICULAR DYSPLASIA, FAMILIAL, 8; ARRHYTHMOGENIC RIGHT VENTRICULAR CARDIOMYOPATHY 8. Identifiers: MedGen C1843896, MONDO:0011831, OMIM 607450.
Cardiomyopathy (CMYO). Also called: Cardiomyopathies. Identifiers: Orphanet 167848, MedGen C0878544, MONDO:0004994, HP:0001638. Inheritance: Various modes of inheritance.

Allele frequency attached by ClinVar (database versions not stated): gnomAD exomes below 0.00001; TOPMed 0.00002; gnomAD 0.00002.
gnomAD v4.1: 5 of 1,613,922 alleles (0.00031%); highest among the groups gnomAD compares: African/African-American, 0.0053%; no homozygotes.

Submissions (4):

Labcorp Genetics (formerly Invitae), Labcorp
Classification: Likely benign for Arrhythmogenic cardiomyopathy with wooly hair and keratoderma; Arrhythmogenic right ventricular dysplasia 8. Last evaluated: 2025-09-16. Review status: criteria provided, single submitter. Criteria: Invitae Variant Classification Sherloc (09022015). Collection method: clinical testing. Allele origin: germline.

All of Us Research Program, National Institutes of Health
Classification: Uncertain significance for Arrhythmogenic cardiomyopathy with wooly hair and keratoderma. Last evaluated: 2024-04-25. Review status: criteria provided, single submitter. Criteria: ACMG Guidelines, 2015. Collection method: clinical testing. Allele origin: germline. Inheritance: Autosomal dominant inheritance. Observed: 3 variant alleles, 3 heterozygotes.
Comment: This missense variant replaces arginine with lysine at codon 1603 of the DSP protein. Computational prediction suggests that this variant may not impact protein structure and function (internally defined REVEL score threshold <= 0.5, PMID: 27666373). To our knowledge, functional studies have not been reported for this variant. This variant has not been reported in individuals affected with DSP-related disorders in the literature. This variant has been identified in 1/249292 chromosomes in the general population by the Genome Aggregation Database (gnomAD). The available evidence is insufficient to determine the role of this variant in disease conclusively. Therefore, this variant is classified as a Variant of Uncertain Significance.

This study involves interpretation of variants in research participants for the purpose of population health screening. Participant phenotype was not available at the time of variant classification. Additional details can be found in publication PMID: 35346344, PMCID: PMC8962531

Color Diagnostics, LLC DBA Color Health
Classification: Uncertain significance for Cardiomyopathy. Last evaluated: 2024-04-10. Review status: criteria provided, single submitter. Criteria: ACMG Guidelines, 2015. Collection method: clinical testing. Allele origin: germline.
Comment: This missense variant replaces arginine with lysine at codon 1603 of the DSP protein. Computational prediction suggests that this variant may not impact protein structure and function. To our knowledge, functional studies have not been reported for this variant. This variant has not been reported in individuals affected with DSP-related disorders in the literature. This variant has been identified in 1/249292 chromosomes in the general population by the Genome Aggregation Database (gnomAD). The available evidence is insufficient to determine the role of this variant in disease conclusively. Therefore, this variant is classified as a Variant of Uncertain Significance.

Ambry Genetics
Classification: Likely benign for Cardiovascular phenotype. Last evaluated: 2024-02-26. Review status: criteria provided, single submitter. Criteria: Ambry Variant Classification Scheme 2023. Collection method: clinical testing. Allele origin: germline.